The following is an entry in ClinVar:

ClinVar aggregate classification (germline): Likely pathogenic. Review status: criteria provided, multiple submitters, no conflicts (2 of 4 stars). 3 submissions from 3 submitters: Likely pathogenic (3). Last evaluated 2025-07-02.

Conditions:
Dilated cardiomyopathy 1G (CMD1G). Identifiers: Orphanet 154, MedGen C1858763, MONDO:0011400, OMIM 604145.
Autosomal recessive limb-girdle muscular dystrophy type 2J (LGMDR10). Also called: Limb-girdle muscular dystrophy, type 2J; MUSCULAR DYSTROPHY, LIMB-GIRDLE, AUTOSOMAL RECESSIVE 10. Identifiers: Orphanet 140922, MedGen C1837342, MONDO:0012127, OMIM 608807.
Cardiovascular phenotype. Identifiers: MedGen CN230736.

Submissions (3):

Molecular Diagnostic Laboratory for Inherited Cardiovascular Disease, Montreal Heart Institute
Classification: Likely pathogenic for Cardiovascular phenotype. Last evaluated: 2025-07-02. Review status: criteria provided, single submitter. Criteria: ACMG Guidelines, 2015. Collection method: clinical testing. Allele origin: germline. Affected: yes.
Comment: PVS1, PM2

Labcorp Genetics (formerly Invitae), Labcorp
Classification: Likely pathogenic for Dilated cardiomyopathy 1G; Autosomal recessive limb-girdle muscular dystrophy type 2J. Last evaluated: 2025-05-01. Review status: criteria provided, single submitter. Criteria: Invitae Variant Classification Sherloc (09022015). Collection method: clinical testing. Allele origin: germline.
Comment: This sequence change creates a premature translational stop signal (p.Glu17311*) in the TTN gene. While this is not anticipated to result in nonsense mediated decay, it is expected to create a truncated TTN protein. This variant is not present in population databases (gnomAD no frequency). This variant has not been reported in the literature in individuals affected with TTN-related conditions. ClinVar contains an entry for this variant (Variation ID: 1329059). Algorithms developed to predict the effect of sequence changes on RNA splicing suggest that this variant may disrupt the consensus splice site. This variant is located in the A band of TTN (PMID: 25589632). Truncating variants in this region are significantly overrepresented in patients affected with dilated cardiomyopathy (PMID: 25589632). Truncating variants in this region have also been reported in individuals affected with autosomal recessive centronuclear myopathy (PMID: 23975875). In summary, the currently available evidence indicates that the variant is pathogenic, but additional data are needed to prove that conclusively. Therefore, this variant has been classified as Likely Pathogenic.

Women's Health and Genetics/Laboratory Corporation of America, LabCorp
Classification: Likely pathogenic for Autosomal recessive limb-girdle muscular dystrophy type 2J. Last evaluated: 2021-11-05. Review status: criteria provided, single submitter. Criteria: LabCorp Variant Classification Summary - May 2015. Collection method: clinical testing. Allele origin: germline.
Comment: Variant summary: TTN c.44227G>T (p.Glu14743X) in exon 222 results in a premature termination codon in the A-band region of the titin protein and is predicted to cause a truncation of the encoded protein or absence of the protein due to nonsense mediated decay, which are commonly known mechanisms for disease. This exon is a constitutively expressed exon as evidenced by a high PSI (percentage spliced in) score for exon usage in the human left ventricle, derived from patients with Dialted Cardiomyopathy (DCM). The variant was absent in 247994 control chromosomes. To our knowledge, no occurrence of c.44227G>T in individuals affected with Limb-Girdle Muscular Dystrophy, Type 2J/Dilated Cardiomyopathy and no experimental evidence demonstrating its impact on protein function have been reported. No clinical diagnostic laboratories have submitted clinical-significance assessments for this variant to ClinVar after 2014. Based on the evidence outlined above, the variant was classified as likely pathogenic.

Literature cited by the submitters: PubMed 25589632 (cited by Labcorp Genetics (formerly Invitae), Labcorp); PubMed 23975875 (cited by Labcorp Genetics (formerly Invitae), Labcorp).

NM_001267550.2(TTN):c.51931G>T (p.Glu17311Ter)

Genes: TTN (titin; minus strand), TTN-AS1 (TTN antisense RNA 1; plus strand). Cytogenetic location: 2q31.2.
Variant type: single nucleotide variant.
Coding change: c.51931G>T on transcript NM_001267550.2 (MANE Select); coding-DNA position 51931, G replaced by T.
Protein change: p.Glu17311Ter; replaces glutamic acid 17311 with a stop codon.
Molecular consequence: nonsense.
Genome position (GRCh38, 1-based): chr2:178,609,379, C>A on the plus strand (G>T on the coding strand, the complement: TTN is on the minus strand). VCF-style: chr2-178609379-C-A. GRCh37 (hg19) VCF-style: chr2-179474106-C-A.
Other names: c.47008G>T, p.Glu15670Ter (NM_001256850.1); c.24736G>T, p.Glu8246Ter (NM_003319.4); c.44227G>T, p.Glu14743Ter (NM_133378.4); c.25111G>T, p.Glu8371Ter (NM_133432.3); c.25312G>T, p.Glu8438Ter (NM_133437.4); short protein forms E14743*, E15670*, E17311*, E8246*, E8371*, E8438*.
Identifiers: ClinVar variation 1329059 (VCV001329059.3), dbSNP rs2154198430, ClinGen allele CA349579119.